The following is an entry in ClinVar:

NM_001256789.3(CACNA1F):c.1804G>T (p.Val602Leu)

Gene: CACNA1F (calcium voltage-gated channel subunit alpha1 F; minus strand). Cytogenetic location: Xp11.23.
Variant type: single nucleotide variant.
Coding change: c.1804G>T on transcript NM_001256789.3 (MANE Select); coding-DNA position 1804, G replaced by T.
Protein change: p.Val602Leu; replaces valine 602 with leucine.
Molecular consequence: missense variant.
Genome position (GRCh38, 1-based): chrX:49,224,834, C>A on the plus strand (G>T on the coding strand, the complement: CACNA1F is on the minus strand). VCF-style: chrX-49224834-C-A. GRCh37 (hg19) VCF-style: chrX-49081296-C-A.
Other names: c.1642G>T, p.Val548Leu (NM_001256790.3); c.1837G>T, p.Val613Leu (NM_005183.4); c.1837G>T (NM_005183.3); short protein forms V602L, V613L, V548L.
Identifiers: ClinVar variation 3711231 (VCV003711231.3).

ClinVar aggregate classification (germline): Uncertain significance. Review status: criteria provided, multiple submitters, no conflicts (2 of 4 stars). 2 submissions from 2 submitters: Uncertain significance (2). Last evaluated 2024-12-05.

Conditions:
CACNA1F-related disorder. Also called: CACNA1F-related condition.

gnomAD v4.1: 22 of 1,199,341 alleles (0.0018%); highest among the groups gnomAD compares: Non-Finnish European, 0.0021%; no homozygotes.

Submissions (2):

PreventionGenetics, part of Exact Sciences
Classification: Uncertain significance for CACNA1F-related condition. Last evaluated: 2024-12-05. Review status: criteria provided, single submitter. Criteria: ACMG Guidelines, 2015. Collection method: clinical testing. Allele origin: germline.
Comment: The CACNA1F c.1837G>T variant is predicted to result in the amino acid substitution p.Val613Leu. To our knowledge, this variant has not been reported in the literature. This variant is reported in 0.0058% of alleles in individuals of European (Finnish) descent in gnomAD. At this time, the clinical significance of this variant is uncertain due to the absence of conclusive functional and genetic evidence.

Labcorp Genetics (formerly Invitae), Labcorp
Classification: Uncertain significance. Last evaluated: 2024-10-30. Review status: criteria provided, single submitter. Criteria: Invitae Variant Classification Sherloc (09022015). Collection method: clinical testing. Allele origin: germline.
Comment: This sequence change replaces valine, which is neutral and non-polar, with leucine, which is neutral and non-polar, at codon 613 of the CACNA1F protein (p.Val613Leu). This variant is present in population databases (rs782580564, gnomAD 0.004%). This variant has not been reported in the literature in individuals affected with CACNA1F-related conditions. Invitae Evidence Modeling of protein sequence and biophysical properties (such as structural, functional, and spatial information, amino acid conservation, physicochemical variation, residue mobility, and thermodynamic stability) indicates that this missense variant is not expected to disrupt CACNA1F protein function with a negative predictive value of 80%. In summary, the available evidence is currently insufficient to determine the role of this variant in disease. Therefore, it has been classified as a Variant of Uncertain Significance.